The following is an entry in ClinVar:

ClinVar aggregate classification (germline): Uncertain significance (1 of 4 stars; one submission).

Conditions:
Glycogen storage disease, type I. Identifiers: Orphanet 364, MedGen C0017920, MONDO:0002413.

Submission:

Myriad Genetics, Inc.
Classification: Uncertain significance for Glycogen storage disease, type I. Last evaluated: 2026-02-13. Review status: criteria provided, single submitter. Criteria: Myriad Autosomal Dominant, Autosomal Recessive and X-Linked Classification Criteria (2023). Collection method: clinical testing. Allele origin: unknown.
Comment: NM_001164277.1(SLC37A4):c.88A>G(T30A) is a missense variant classified as a variant of uncertain significance in the context of glycogen storage disease type Ib. T30A has not been observed in cases with relevant disease. Relevant functional assessments of this variant are not available in the literature. T30A has not been observed in referenced population frequency databases. In summary, there is insufficient evidence to classify NM_001164277.1(SLC37A4):c.88A>G(T30A) as pathogenic or benign. Please note: this variant was assessed in the context of healthy population screening.

NM_001164277.2(SLC37A4):c.88A>G (p.Thr30Ala)

Gene: SLC37A4 (solute carrier family 37 member 4; minus strand). Cytogenetic location: 11q23.3.
Variant type: single nucleotide variant.
Coding change: c.88A>G on transcript NM_001164277.2 (MANE Select); coding-DNA position 88, A replaced by G.
Protein change: p.Thr30Ala; replaces threonine 30 with alanine.
Molecular consequence: missense variant. On other transcripts: intron variant (1).
Genome position (GRCh38, 1-based): chr11:119,029,282, T>C on the plus strand (A>G on the coding strand, the complement: SLC37A4 is on the minus strand). VCF-style: chr11-119029282-T-C. GRCh37 (hg19) VCF-style: chr11-118899992-T-C.
Other names: c.88A>G, p.Thr30Ala (NM_001164278.2, NM_001164280.2, NM_001467.6); c.-172+110A>G (NM_001164279.2); short protein forms T30A.
Identifiers: ClinVar variation 5003699 (VCV005003699.1).